The following is an entry in ClinVar:

NM_001160372.4(TRAPPC9):c.428C>T (p.Thr143Met)

Gene: TRAPPC9 (trafficking protein particle complex subunit 9; minus strand). Cytogenetic location: 8q24.3.
Variant type: single nucleotide variant.
Coding change: c.428C>T on transcript NM_001160372.4 (MANE Select); coding-DNA position 428, C replaced by T.
Protein change: p.Thr143Met; replaces threonine 143 with methionine.
Molecular consequence: missense variant. On other transcripts: non-coding transcript variant (1).
Genome position (GRCh38, 1-based): chr8:140,450,946, G>A on the plus strand (C>T on the coding strand, the complement: TRAPPC9 is on the minus strand). VCF-style: chr8-140450946-G-A. GRCh37 (hg19) VCF-style: chr8-141461045-G-A.
Other names: c.428C>T, p.Thr143Met (NM_001321646.2, NM_001374682.1, NM_001374683.1 and 2 more transcripts); short protein forms T143M.
Identifiers: ClinVar variation 1986566 (VCV001986566.1), dbSNP rs776474237, ClinGen allele CA4893727.

ClinVar aggregate classification (germline): Uncertain significance (1 of 4 stars; one submission).

Allele frequency attached by ClinVar (database versions not stated): ExAC 0.00002; gnomAD 0.00003; gnomAD exomes 0.00003; TOPMed 0.00003.
gnomAD v4.1: 43 of 1,614,016 alleles (0.0027%); highest among the groups gnomAD compares: Admixed American, 0.0067%; no homozygotes.

Submission:

Labcorp Genetics (formerly Invitae), Labcorp
Classification: Uncertain significance. Last evaluated: 2022-02-06. Review status: criteria provided, single submitter. Criteria: Invitae Variant Classification Sherloc (09022015). Collection method: clinical testing. Allele origin: germline.
Comment: This sequence change replaces threonine, which is neutral and polar, with methionine, which is neutral and non-polar, at codon 241 of the TRAPPC9 protein (p.Thr241Met). This variant is present in population databases (rs776474237, gnomAD 0.009%). This variant has not been reported in the literature in individuals affected with TRAPPC9-related conditions. Algorithms developed to predict the effect of missense changes on protein structure and function are either unavailable or do not agree on the potential impact of this missense change (SIFT: "Not Available"; PolyPhen-2: "Possibly Damaging"; Align-GVGD: "Not Available"). In summary, the available evidence is currently insufficient to determine the role of this variant in disease. Therefore, it has been classified as a Variant of Uncertain Significance.